The following is an entry in ClinVar:

NM_001365951.3(KIF1B):c.779C>T (p.Ala260Val)

Gene: KIF1B (kinesin family member 1B; plus strand). Cytogenetic location: 1p36.22.
Variant type: single nucleotide variant.
Coding change: c.779C>T on transcript NM_001365951.3 (MANE Select); coding-DNA position 779, C replaced by T.
Protein change: p.Ala260Val; replaces alanine 260 with valine.
Molecular consequence: missense variant.
Genome position (GRCh38, 1-based): chr1:10,271,560, C>T. VCF-style: chr1-10271560-C-T. GRCh37 (hg19) VCF-style: chr1-10331618-C-T.
Other names: c.779C>T, p.Ala260Val (NM_001365952.1, NM_001365953.1, NM_015074.3 and 1 more transcripts); short protein forms A260V.
Identifiers: ClinVar variation 1760667 (VCV001760667.3), dbSNP rs1648799837, ClinGen allele CA338331527.

ClinVar aggregate classification (germline): Uncertain significance (1 of 4 stars; one submission).

Allele frequency attached by ClinVar (database versions not stated): TOPMed below 0.00001.

Submission:

Ambry Genetics
Classification: Uncertain significance. Last evaluated: 2024-05-05. Review status: criteria provided, single submitter. Criteria: Ambry Variant Classification Scheme 2023. Collection method: clinical testing. Allele origin: germline.
Comment: The p.A260V variant (also known as c.779C>T), located in coding exon 7 of the KIF1B gene, results from a C to T substitution at nucleotide position 779. The alanine at codon 260 is replaced by valine, an amino acid with similar properties. This amino acid position is highly conserved in available vertebrate species. In addition, this alteration is predicted to be deleterious by in silico analysis. Since supporting evidence is limited at this time, the clinical significance of this alteration remains unclear.